The following is an entry in ClinVar:

NM_000214.3(JAG1):c.2005A>G (p.Asn669Asp)

Gene: JAG1 (jagged canonical Notch ligand 1; minus strand). Cytogenetic location: 20p12.2.
Variant type: single nucleotide variant.
Coding change: c.2005A>G on transcript NM_000214.3 (MANE Select); coding-DNA position 2005, A replaced by G.
Protein change: p.Asn669Asp; replaces asparagine 669 with aspartic acid.
Molecular consequence: missense variant.
Genome position (GRCh38, 1-based): chr20:10,645,464, T>C on the plus strand (A>G on the coding strand, the complement: JAG1 is on the minus strand). VCF-style: chr20-10645464-T-C. GRCh37 (hg19) VCF-style: chr20-10626112-T-C.
Other names: short protein forms N669D.
Identifiers: ClinVar variation 2566908 (VCV002566908.2), dbSNP rs2514513717, ClinGen allele CA408235620.

ClinVar aggregate classification (germline): Uncertain significance (1 of 4 stars; one submission).

Conditions:
Cardiovascular phenotype. Identifiers: MedGen CN230736.

Submission:

Ambry Genetics
Classification: Uncertain significance for Cardiovascular phenotype. Last evaluated: 2023-05-13. Review status: criteria provided, single submitter. Criteria: Ambry Variant Classification Scheme 2023. Collection method: clinical testing. Allele origin: germline.
Comment: The p.N669D variant (also known as c.2005A>G), located in coding exon 16 of the JAG1 gene, results from an A to G substitution at nucleotide position 2005. The asparagine at codon 669 is replaced by aspartic acid, an amino acid with highly similar properties. This amino acid position is conserved. In addition, this alteration is predicted to be tolerated by in silico analysis. Since supporting evidence is limited at this time, the clinical significance of this alteration remains unclear.